The following is an entry in ClinVar:

NM_014633.5(CTR9):c.3154T>C (p.Cys1052Arg)

Gene: CTR9 (CTR9 component of Paf1/RNA polymerase II complex; plus strand). Cytogenetic location: 11p15.4.
Variant type: single nucleotide variant.
Coding change: c.3154T>C on transcript NM_014633.5 (MANE Select); coding-DNA position 3154, T replaced by C.
Protein change: p.Cys1052Arg; replaces cysteine 1052 with arginine.
Molecular consequence: missense variant.
Genome position (GRCh38, 1-based): chr11:10,778,737, T>C. VCF-style: chr11-10778737-T-C. GRCh37 (hg19) VCF-style: chr11-10800284-T-C.
Other names: c.3082T>C, p.Cys1028Arg (NM_001346279.2); c.3154T>C (NM_014633.4); short protein forms C1028R, C1052R.
Identifiers: ClinVar variation 1165526 (VCV001165526.12), dbSNP rs35696189, ClinGen allele CA5885530.

ClinVar aggregate classification (germline): Benign. Review status: criteria provided, multiple submitters, no conflicts (2 of 4 stars). 3 submissions from 3 submitters: Benign (2). 1 of the submissions does not count toward it. Last evaluated 2026-01-06.

Conditions:
CTR9-related disorder. Also called: CTR9-related condition.

Allele frequency attached by ClinVar (database versions not stated): gnomAD exomes 0.00101 and 0.00296; ExAC 0.00373; gnomAD 0.01104 and 0.01185; TOPMed 0.01236; 1000 Genomes Project 0.01258; ESP Exome Variant Server 0.01293; 1000 Genomes Project 30x 0.01296.
gnomAD v4.1: 3,222 of 1,614,038 alleles (0.2%); highest among the groups gnomAD compares: African/African-American, 3.8%; 73 homozygotes.

Submissions (3):

Labcorp Genetics (formerly Invitae), Labcorp
Classification: Benign. Last evaluated: 2026-01-06. Review status: criteria provided, single submitter. Criteria: Invitae Variant Classification Sherloc (09022015). Collection method: clinical testing. Allele origin: germline.

Breakthrough Genomics
Classification: Benign. Review status: criteria provided, single submitter. Criteria: ACMG Guidelines, 2015. Collection method: not provided. Allele origin: germline. Inheritance: Unknown mechanism. Affected: yes.

PreventionGenetics, part of Exact Sciences
Classification: Benign for CTR9-related condition. Last evaluated: 2020-01-02. Review status: no assertion criteria provided. Collection method: clinical testing. Allele origin: germline. Not counted in ClinVar's aggregate classification.
Comment: This variant is classified as benign based on ACMG/AMP sequence variant interpretation guidelines (Richards et al. 2015 PMID: 25741868, with internal and published modifications).